The following is an entry in ClinVar:

ClinVar aggregate classification (germline): Pathogenic. Review status: criteria provided, multiple submitters, no conflicts (2 of 4 stars). 25 submissions from 24 submitters: Pathogenic (19). 6 of the submissions do not count toward it. Last evaluated 2026-01-31.

Conditions:
Cardiovascular phenotype. Identifiers: MedGen CN230736.
Cardiomyopathy (CMYO). Also called: Cardiomyopathies. Identifiers: Orphanet 167848, MedGen C0878544, MONDO:0004994, HP:0001638. Inheritance: Various modes of inheritance.
TPM1-related disorder. Also called: TPM1-related condition.
Hypertrophic cardiomyopathy 3. Also called: TPM1-Related Familial Hypertrophic Cardiomyopathy. Identifiers: MedGen C1861863, MONDO:0007267, OMIM 115196.
Dilated cardiomyopathy 1Y (CMD1Y). Identifiers: Orphanet 154, Orphanet 54260, MedGen C2678476, MONDO:0012744, OMIM 611878.
Primary dilated cardiomyopathy (DCM). Also called: Dilated Cardiomyopathy. Identifiers: Orphanet 217604, MedGen C0007193, MeSH D002311, MONDO:0005021, HP:0001644. Inheritance: Various modes of inheritance.
Hypertrophic cardiomyopathy. Also called: HYPERTROPHIC MYOCARDIOPATHY. Identifiers: Orphanet 217569, MedGen C0007194, MeSH D002312, MONDO:0005045, HP:0001639.

Allele frequency attached by ClinVar (database versions not stated): gnomAD exomes 0.00001 and 0.00002; TOPMed 0.00001; gnomAD 0.00003.
gnomAD v4.1: 14 of 1,614,042 alleles (0.00087%); highest among the groups gnomAD compares: South Asian, 0.0011%; no homozygotes.

Submissions 1 to 8 of 25:

Labcorp Genetics (formerly Invitae), Labcorp
Classification: Pathogenic for Hypertrophic cardiomyopathy. Last evaluated: 2026-01-31. Review status: criteria provided, single submitter. Criteria: Invitae Variant Classification Sherloc (09022015). Collection method: clinical testing. Allele origin: germline.
Comment: This sequence change replaces aspartic acid, which is acidic and polar, with asparagine, which is neutral and polar, at codon 175 of the TPM1 protein (p.Asp175Asn). This variant is present in population databases (rs104894503, gnomAD 0.02%). This missense change has been observed in individual(s) with hypertrophic cardiomyopathy (HCM) in many families, and is a common cause of HCM in Finland (PMID: 7729014, 8205619, 9060904, 22462493, 25548289). In at least one individual the variant was observed to be de novo. It has also been observed to segregate with disease in related individuals. ClinVar contains an entry for this variant (Variation ID: 12456). An algorithm developed to predict the effect of missense changes on protein structure and function (PolyPhen-2) suggests that this variant is likely to be disruptive. Experimental studies have shown that this missense change affects TPM1 function (PMID: 9245729, 10400910, 10900175, 22155441). For these reasons, this variant has been classified as Pathogenic.

Institute of Immunology and Genetics Kaiserslautern
Classification: Pathogenic for Hypertrophic cardiomyopathy 3. Last evaluated: 2025-12-02. Review status: criteria provided, single submitter. Criteria: ACMG Guidelines, 2015. Collection method: clinical testing. Allele origin: germline. Affected: yes.
Comment: ACMG Criteria: PS3, PS4, PM1, PM2_P, PP1, PP3 ; Variant was found in heterozygous state.

3billion
Classification: Pathogenic for Hypertrophic cardiomyopathy 3. Last evaluated: 2025-08-13. Review status: criteria provided, single submitter. Criteria: ACMG Guidelines, 2015. Collection method: clinical testing. Allele origin: germline. Affected: yes.
Comment: The variant is observed at an extremely low frequency in the gnomAD v4.1.0 dataset (total allele frequency: <0.001%). Predicted Consequence/Location: Missense variant Functional studies provide moderate evidence of the variant having a damaging effect on the gene or gene product (PMID: 10400910). In silico tool predictions suggest damaging effect of the variant on gene or gene product [REVEL: 0.79 (>=0.6, sensitivity 0.68 and specificity 0.92); 3Cnet: 1.00 (> 0.75, sensitivity 0.96 and precision 0.92)]. The same nucleotide change resulting in the same amino acid change has been previously reported as pathogenic/likely pathogenic with strong evidence (ClinVar ID: VCV000012456 /PMID: 8205619). A different missense change at the same codon (p.Asp175Gly) has been reported to be associated with TPM1-related disorder (PMID: 24888384). Therefore, this variant is classified as Pathogenic according to the recommendation of ACMG/AMP guideline.

Molecular Diagnostic Laboratory for Inherited Cardiovascular Disease, Montreal Heart Institute
Classification: Pathogenic for Cardiovascular phenotype. Last evaluated: 2025-07-30. Review status: criteria provided, single submitter. Criteria: ACMG Guidelines, 2015. Collection method: clinical testing. Allele origin: germline. Affected: yes.
Comment: PS2, PS3, PS4, PP1_strong, PM1, PM2, PP2

Blueprint Genetics
Classification: Pathogenic for TPM1-related disorders. Last evaluated: 2024-11-11. Review status: criteria provided, single submitter. Criteria: ACMG Guidelines, 2015. Collection method: clinical testing. Allele origin: germline. Affected: yes. Observed: 5 variant alleles.

Women's Health and Genetics/Laboratory Corporation of America, LabCorp
Classification: Pathogenic for Cardiomyopathy. Last evaluated: 2024-10-07. Review status: criteria provided, single submitter. Criteria: LabCorp Variant Classification Summary - May 2015. Collection method: clinical testing. Allele origin: germline.
Comment: Variant summary: TPM1 c.523G>A (p.Asp175Asn) results in a conservative amino acid change in the encoded protein sequence. Three of four in-silico tools predict a damaging effect of the variant on protein function. The variant allele was found at a frequency of 1.6e-05 in 251400 control chromosomes. c.523G>A has been reported in the literature in the heterozygous state in multiple individuals affected with hypertrophic cardiomyopathy and/or sudden cardiac death (example, Hedman_1999), and has been suggested to be a Finnish founder variant. These data indicate that the variant is very likely to be associated with disease. At least one publication reports experimental evidence evaluating an impact on protein function. In a mouse model, the variant resulted in impairment of both contractility and relaxation in hearts, along with a hypertrophic myocytes as determined by histology which are all consistent with the human phenotype (example, Muthuchamy_1999). The following publications have been ascertained in the context of this evaluation (PMID: 14734051, 10400910). ClinVar contains an entry for this variant (Variation ID: 12456). Based on the evidence outlined above, the variant was classified as pathogenic.

Illumina Laboratory Services, Illumina
Classification: Pathogenic for Primary dilated cardiomyopathy. Last evaluated: 2024-04-09. Review status: criteria provided, single submitter. Criteria: ICSLVariantClassificationCriteria RUGD 01 April 2020. Collection method: clinical testing. Allele origin: unknown.
Comment: The TPM1 c.523G>A p.(Asp175Asn) missense variant has been identified in individuals with hypertrophic cardiomyopathy. This variant was identified in a de novo state in at least one individual and has been shown to segregate with disease across multiple families (PMID: 7729014; 9060904; 22462493). The highest frequency of this allele in the Genome Aggregation Database is 0.000159 in the European (Finnish) population (version 2.1.1). This frequency is consistent with either high or reduced penetrance. Functional studies conducted in patient tissue, non-human cells, and a mouse model demonstrated that the p.(Asp175Asn) variant impacts protein structure and function (PMID: 8205619; 10400910; 22462493; 29760186). Multiple lines of computational evidence also suggest the p.(Asp175Asn) variant may impact the gene or gene product. This variant has been classified as pathogenic by at least three submitters in ClinVar. Based on the available evidence, the c.523G>A p.(Asp175Asn) variant is classified as pathogenic for TPM1-related cardiomyopathy.

Molecular Genetics, Royal Melbourne Hospital
Classification: Pathogenic for Hypertrophic cardiomyopathy. Last evaluated: 2024-01-05. Review status: criteria provided, single submitter. Criteria: ACMG Guidelines, 2015. Collection method: clinical testing. Allele origin: germline. Inheritance: Autosomal dominant inheritance. Affected: yes.
Comment: This sequence change in TPM1 is predicted to replace aspartic acid with asparagine at codon 175, p.(Asp175Asn). The aspartic acid residue is highly conserved (100 vertebrates, Multiz alignments), and is located in the coiled-coil domain. There is a small physicochemical difference between aspartic acid and asparagine. TPM1, in which the variant was identified, is a gene that has a low rate of benign missense variation and where pathogenic missense variants are a common mechanism of disease (gnomAD v2.1). The highest population minor allele frequency in the population database gnomAD v4.0 is 0.01% (8/64,018 alleles) in the Finnish population, while the highest population frequency in a non-bottlenecked population is 0.0003% (4/1,180,052 alleles) in the European (non-Finnish) population. This variant has been reported in multiple unrelated individuals with hypertrophic cardiomyopathy and is the reported founder mutation in the Finnish population and segregates with cardiomyopathy in multiple unrelated families (PMID: 9822100, 22462493). This variant has been identified as a de novo occurrence with confirmed parental relationships in one individual with hypertrophic cardiomyopathy (PMID: 7729014). An in vitro functional assay in heart muscle fibres and a transgenic mouse model expressing this variant in the heart showed an increase in calcium ion (Ca2+) sensitivity (PMID: 9440709, 10400910). Computational evidence predicts a deleterious effect for the missense substitution (REVEL = 0.785). Based on the classification scheme RMH Modified ACMG/AMP Guidelines v1.6.1, this variant is classified as PATHOGENIC. Following criteria are met: PP1_Strong, PS4, PM2_Supporting, PS2_Supporting, PP2, PP3, PS3_Moderate.

NM_001018005.2(TPM1):c.523G>A (p.Asp175Asn)

Gene: TPM1 (tropomyosin 1; plus strand). Cytogenetic location: 15q22.2.
Variant type: single nucleotide variant.
Coding change: c.523G>A on transcript NM_001018005.2 (MANE Select); coding-DNA position 523, G replaced by A.
Protein change: p.Asp175Asn; replaces aspartic acid 175 with asparagine.
Molecular consequence: missense variant.
Genome position (GRCh38, 1-based): chr15:63,060,899, G>A. VCF-style: chr15-63060899-G-A. GRCh37 (hg19) VCF-style: chr15-63353098-G-A.
Other names: p.D175N:GAC>AAC; c.523G>A, p.Asp175Asn (NM_000366.6, NM_001018004.2, NM_001018006.2 and 6 more transcripts); c.415G>A, p.Asp139Asn (NM_001018008.2, NM_001301289.2, NM_001330344.2 and 5 more transcripts); c.649G>A, p.Asp217Asn (NM_001365778.1); short protein forms D175N, D139N, D217N.
Identifiers: ClinVar variation 12456 (VCV000012456.55), dbSNP rs104894503, ClinGen allele CA018106.